The following is an entry in ClinVar:

ClinVar aggregate classification (germline): Likely benign. Review status: criteria provided, multiple submitters, no conflicts (2 of 4 stars). 3 submissions from 3 submitters: Likely benign (3). Last evaluated 2025-03-19.

Conditions:
Neuronal ceroid lipofuscinosis. Also called: Neuronal Ceroid Lipofuscinoses. Identifiers: Orphanet 216, Orphanet 79263, MedGen C0027877, MONDO:0016295. Disease mechanism: loss of function.
Neuronal ceroid lipofuscinosis 3 (CLN3). Identifiers: Orphanet 228346, MedGen C0751383, MONDO:0008767, OMIM 204200.

Allele frequency attached by ClinVar (database versions not stated): ExAC 0.00001; gnomAD exomes 0.00001 and 0.00002; TOPMed 0.00002.
gnomAD v4.1: 22 of 1,613,798 alleles (0.0014%); highest among the groups gnomAD compares: Admixed American, 0.0033%; no homozygotes.

Submissions (3):

Labcorp Genetics (formerly Invitae), Labcorp
Classification: Likely benign for Neuronal ceroid lipofuscinosis. Last evaluated: 2025-03-19. Review status: criteria provided, single submitter. Criteria: Invitae Variant Classification Sherloc (09022015). Collection method: clinical testing. Allele origin: germline.

Genome-Nilou Lab
Classification: Likely benign for Neuronal ceroid lipofuscinosis 3. Last evaluated: 2021-08-10. Review status: criteria provided, single submitter. Criteria: ACMG Guidelines, 2015. Collection method: clinical testing. Allele origin: germline. Affected: no.

GeneDx
Classification: Likely benign. Last evaluated: 2017-07-28. Review status: criteria provided, single submitter. Criteria: GeneDx Variant Classification (06012015). Collection method: clinical testing. Allele origin: germline. Affected: yes.
Comment: This variant is considered likely benign or benign based on one or more of the following criteria: it is a conservative change, it occurs at a poorly conserved position in the protein, it is predicted to be benign by multiple in silico algorithms, and/or has population frequency not consistent with disease.

NM_001042432.2(CLN3):c.447G>T (p.Gly149=)

Gene: CLN3 (CLN3 lysosomal/endosomal transmembrane protein, battenin; minus strand). Cytogenetic location: 16p12.1.
Variant type: single nucleotide variant.
Coding change: c.447G>T on transcript NM_001042432.2 (MANE Select); coding-DNA position 447, G replaced by T.
Protein change: p.Gly149=; no amino-acid change (glycine 149 retained).
Molecular consequence: synonymous variant.
Genome position (GRCh38, 1-based): chr16:28,487,469, C>A on the plus strand (G>T on the coding strand, the complement: CLN3 is on the minus strand). VCF-style: chr16-28487469-C-A. GRCh37 (hg19) VCF-style: chr16-28498790-C-A.
Other names: c.213G>T, p.Gly71= (NM_001286109.2); c.285G>T, p.Gly95= (NM_001286110.2); c.447G>T, p.Gly149= (NM_000086.2); c.375G>T, p.Gly125= (NM_001286104.2); c.147G>T, p.Gly49= (NM_001286105.2).
Identifiers: ClinVar variation 457953 (VCV000457953.9), dbSNP rs779918787, ClinGen allele CA7980926.